The following is an entry in ClinVar:

ClinVar aggregate classification (germline): Pathogenic. Review status: criteria provided, multiple submitters, no conflicts (2 of 4 stars). 3 submissions from 3 submitters: Pathogenic (3). Last evaluated 2025-04-16.

Conditions:
Saldino-Mainzer syndrome (SRTD9). Also called: Renal dysplasia, retinal pigmentary dystrophy, cerebellar ataxia and skeletal dysplasia; SHORT-RIB THORACIC DYSPLASIA 9 WITHOUT POLYDACTYLY; short-rib thoracic dysplasia 9 with or without polydactyly; CONORENAL SYNDROME. Identifiers: Orphanet 140969, MedGen C1849437, MONDO:0009964, OMIM 266920.
Joubert syndrome with Jeune asphyxiating thoracic dystrophy. Identifiers: Orphanet 397715, MedGen C4518774, MONDO:0018342.

Allele frequency attached by ClinVar (database versions not stated): gnomAD exomes below 0.00001; TOPMed below 0.00001; ExAC 0.00001.
gnomAD v4.1: 5 of 1,611,986 alleles (0.00031%); highest among the groups gnomAD compares: East Asian, 0.0022%; no homozygotes.

Submissions (3):

Labcorp Genetics (formerly Invitae), Labcorp
Classification: Pathogenic for Saldino-Mainzer syndrome. Last evaluated: 2025-04-16. Review status: criteria provided, single submitter. Criteria: Invitae Variant Classification Sherloc (09022015). Collection method: clinical testing. Allele origin: germline.
Comment: This sequence change affects a donor splice site in intron 24 of the IFT140 gene. It is expected to disrupt RNA splicing. Variants that disrupt the donor or acceptor splice site typically lead to a loss of protein function (PMID: 16199547), and loss-of-function variants in IFT140 are known to be pathogenic (PMID: 22503633, 23418020, 24009529, 26216056). This variant is present in population databases (rs764770536, gnomAD 0.003%). Disruption of this splice site has been observed in individuals with IFT140-related conditions (PMID: 27874174, 29688594; internal data). ClinVar contains an entry for this variant (Variation ID: 523180). Algorithms developed to predict the effect of sequence changes on RNA splicing suggest that this variant may disrupt the consensus splice site. For these reasons, this variant has been classified as Pathogenic.

CeGaT Center for Human Genetics Tuebingen
Classification: Pathogenic. Last evaluated: 2019-04-01. Review status: criteria provided, single submitter. Criteria: CeGaT Center For Human Genetics Tuebingen Variant Classification Criteria Version 2. Collection method: clinical testing. Allele origin: germline. Affected: yes. Observed: 2 variant alleles.

Laboratory of Medical Genetics (UMR_S 1112), INSERM/Strasbourg University
Classification: Pathogenic for Renal dysplasia, retinal pigmentary dystrophy, cerebellar ataxia and skeletal dysplasia; Joubert syndrome with Jeune asphyxiating thoracic dystrophy. Last evaluated: 2018-01-01. Review status: criteria provided, single submitter. Criteria: Geoffroy et al. (Hum Mutat. 2018). Collection method: research. Allele origin: inherited. Inheritance: Autosomal recessive inheritance. Affected: yes. Observed: 1 variant allele, 1 compound heterozygote.

Literature cited by the submitters: PubMed 16199547 (cited by Labcorp Genetics (formerly Invitae), Labcorp); PubMed 22503633 (cited by Labcorp Genetics (formerly Invitae), Labcorp); PubMed 23418020 (cited by Labcorp Genetics (formerly Invitae), Labcorp); PubMed 24009529 (cited by Labcorp Genetics (formerly Invitae), Labcorp); PubMed 26216056 (cited by Labcorp Genetics (formerly Invitae), Labcorp); PubMed 27874174 (cited by Labcorp Genetics (formerly Invitae), Labcorp); PubMed 29688594 (cited by Labcorp Genetics (formerly Invitae), Labcorp).

NM_014714.4(IFT140):c.3141+1G>T

Genes: IFT140 (intraflagellar transport 140; minus strand), LOC126862260 (CDK7 strongly-dependent group 2 enhancer GRCh37_chr16:1574508-1575707; plus strand). Cytogenetic location: 16p13.3.
Variant type: single nucleotide variant.
Coding change: c.3141+1G>T on transcript NM_014714.4 (MANE Select); the canonical splice donor site of the intron after coding-DNA position 3141, G replaced by T.
Molecular consequence: splice donor variant.
Genome position (GRCh38, 1-based): chr16:1,524,551, C>A on the plus strand (G>T on the coding strand, the complement: IFT140 is on the minus strand). VCF-style: chr16-1524551-C-A. GRCh37 (hg19) VCF-style: chr16-1574552-C-A.
Identifiers: ClinVar variation 523180 (VCV000523180.49), dbSNP rs764770536, ClinGen allele CA7813303.